The following is an entry in ClinVar:

NM_152618.3(BBS12):c.27_30del (p.Asn9fs)

Gene: BBS12 (Bardet-Biedl syndrome 12; plus strand). Cytogenetic location: 4q27.
Variant type: Deletion.
Coding change: c.27_30del on transcript NM_152618.3 (MANE Select); coding-DNA positions 27 to 30, 4 bases deleted (CAAA; older notation c.27_30delCAAA).
Protein change: p.Asn9fs; shifts the reading frame from asparagine 9.
Molecular consequence: frameshift variant.
Genome position (GRCh38, 1-based): chr4:122,741,919-122,741,922, CAAA deleted; deleting any 4 consecutive bases within chr4:122,741,916-122,741,922 gives the same sequence; the c. name uses the placement nearest the transcript's 3' end. VCF-style (leftmost placement, unchanged base first): chr4-122741915-TAAAC-T. GRCh37 (hg19) VCF-style: chr4-123663070-TAAAC-T.
Other names: c.27_30del, p.Asn9fs (NM_001178007.2); short protein forms N9fs.
Identifiers: ClinVar variation 1384347 (VCV001384347.8), dbSNP rs2150735761, ClinGen allele CA913103451.

ClinVar aggregate classification (germline): Pathogenic (1 of 4 stars; one submission).

Conditions:
Bardet-Biedl syndrome (BBS). Identifiers: Orphanet 110, MedGen C0752166, MONDO:0015229.

Submission:

Labcorp Genetics (formerly Invitae), Labcorp
Classification: Pathogenic for Bardet-Biedl syndrome. Last evaluated: 2021-03-10. Review status: criteria provided, single submitter. Criteria: Invitae Variant Classification Sherloc (09022015). Collection method: clinical testing. Allele origin: germline.
Comment: This variant is not present in population databases (ExAC no frequency). This variant has not been reported in the literature in individuals with BBS12-related conditions. This variant disrupts the C-terminus of the BBS12 protein. Other variant(s) that disrupt this region (p.Asp687Valfs*3) have been determined to be pathogenic (Invitae). This suggests that variants that disrupt this region of the protein are likely to be causative of disease. For these reasons, this variant has been classified as Pathogenic. This sequence change creates a premature translational stop signal (p.Asn9Lysfs*21) in the BBS12 gene. While this is not anticipated to result in nonsense mediated decay, it is expected to disrupt the last 702 amino acid(s) of the BBS12 protein.